The following is an entry in ClinVar:

ClinVar aggregate classification (germline): Pathogenic (1 of 4 stars; one submission).

Conditions:
Lysosomal acid lipase deficiency. Also called: Acid cholesteryl ester hydrolase deficiency, type 2. Identifiers: Orphanet 275761, MedGen C5574740, MONDO:0800449, MONDO:0010204.

Submission:

Myriad Genetics, Inc.
Classification: Pathogenic for Lysosomal acid lipase deficiency. Last evaluated: 2026-08-18. Review status: criteria provided, single submitter. Criteria: Myriad Autosomal Dominant, Autosomal Recessive and X-Linked Classification Criteria (2023). Collection method: clinical testing. Allele origin: unknown.
Comment: NM_000235.2(LIPA):c.746delC(T249Ifs*5) is expected to be pathogenic in the context of lysosomal acid lipase deficiency. This variant is predicted to lead to an abnormal or absent protein product due to the creation of a premature termination codon in LIPA, a gene where loss-of-function variants are known to be pathogenic. Please note: this variant was assessed in the context of healthy population screening.

NM_000235.4(LIPA):c.746del (p.Thr249fs)

Gene: LIPA (lipase A, lysosomal acid type; minus strand). Cytogenetic location: 10q23.31.
Variant type: Deletion.
Coding change: c.746del on transcript NM_000235.4 (MANE Select); coding-DNA position 746, one base deleted (C; older notation c.746delC).
Protein change: p.Thr249fs; shifts the reading frame from threonine 249.
Molecular consequence: frameshift variant.
Genome position (GRCh38, 1-based): chr10:89,223,760, G deleted on the plus strand (C on the coding strand, the reverse complement: LIPA is on the minus strand). VCF-style (leftmost placement, unchanged base first): chr10-89223759-AG-A. GRCh37 (hg19) VCF-style: chr10-90983516-AG-A.
Other names: c.746del, p.Thr249fs (NM_001127605.3, NM_001440818.1, NM_001440819.1 and 16 more transcripts); c.398del, p.Thr133fs (NM_001288979.2); c.878del, p.Thr293fs (NM_001440836.1); c.767del, p.Thr256fs (NM_001440837.1); c.761del, p.Thr254fs (NM_001440838.1); c.578del, p.Thr193fs (NM_001440839.1); short protein forms T133fs, T193fs, T249fs, T254fs, T256fs, T293fs.
Identifiers: ClinVar variation 5016246 (VCV005016246.1).